The following is an entry in ClinVar:

ClinVar aggregate classification (germline): Uncertain significance (1 of 4 stars; one submission).

Conditions:
RASopathy. Also called: rasopathies; Noonan spectrum disorder. Identifiers: Orphanet 536391, MedGen C5555857, MONDO:0021060.

Submission:

Labcorp Genetics (formerly Invitae), Labcorp
Classification: Uncertain significance for RASopathy. Last evaluated: 2025-10-26. Review status: criteria provided, single submitter. Criteria: Invitae Variant Classification Sherloc (09022015). Collection method: clinical testing. Allele origin: germline.
Comment: This sequence change replaces glycine, which is neutral and non-polar, with aspartic acid, which is acidic and polar, at codon 65 of the MAP2K2 protein (p.Gly65Asp). This variant is not present in population databases (gnomAD no frequency). This variant has not been reported in the literature in individuals affected with MAP2K2-related conditions. Invitae Evidence Modeling of protein sequence and biophysical properties (such as structural, functional, and spatial information, amino acid conservation, physicochemical variation, residue mobility, and thermodynamic stability) indicates that this missense variant is expected to disrupt MAP2K2 protein function with a positive predictive value of 95%. In summary, the available evidence is currently insufficient to determine the role of this variant in disease. Therefore, it has been classified as a Variant of Uncertain Significance.

NM_030662.4(MAP2K2):c.194G>A (p.Gly65Asp)

Gene: MAP2K2 (mitogen-activated protein kinase kinase 2; minus strand). Cytogenetic location: 19p13.3.
Variant type: single nucleotide variant.
Coding change: c.194G>A on transcript NM_030662.4 (MANE Select); coding-DNA position 194, G replaced by A.
Protein change: p.Gly65Asp; replaces glycine 65 with aspartic acid.
Molecular consequence: missense variant.
Genome position (GRCh38, 1-based): chr19:4,117,528, C>T on the plus strand (G>A on the coding strand, the complement: MAP2K2 is on the minus strand). VCF-style: chr19-4117528-C-T. GRCh37 (hg19) VCF-style: chr19-4117526-C-T.
Other names: c.194G>A, p.Gly65Asp (NM_001440688.1); short protein forms G65D.
Identifiers: ClinVar variation 4802530 (VCV004802530.1).